The following is an entry in ClinVar:

ClinVar aggregate classification (germline): Uncertain significance (1 of 4 stars; one submission).

Conditions:
Long QT syndrome (LQTS). Identifiers: MedGen C0023976, MeSH D008133, MONDO:0002442. Disease mechanism: loss of function. Inheritance: Various modes of inheritance.

Allele frequency attached by ClinVar (database versions not stated): gnomAD exomes below 0.00001; ExAC 0.00001; TOPMed 0.00001.
gnomAD v4.1: 23 of 1,614,122 alleles (0.0014%); highest among the groups gnomAD compares: Non-Finnish European, 0.0019%; no homozygotes.

Submission:

Labcorp Genetics (formerly Invitae), Labcorp
Classification: Uncertain significance for Long QT syndrome. Last evaluated: 2022-07-25. Review status: criteria provided, single submitter. Criteria: Invitae Variant Classification Sherloc (09022015). Collection method: clinical testing. Allele origin: germline.
Comment: Algorithms developed to predict the effect of sequence changes on RNA splicing suggest that this variant may create or strengthen a splice site. In summary, the available evidence is currently insufficient to determine the role of this variant in disease. Therefore, it has been classified as a Variant of Uncertain Significance. Algorithms developed to predict the effect of missense changes on protein structure and function are either unavailable or do not agree on the potential impact of this missense change (SIFT: "Tolerated"; PolyPhen-2: "Probably Damaging"; Align-GVGD: "Class C0"). ClinVar contains an entry for this variant (Variation ID: 639234). This missense change has been observed in individual(s) with Brugada syndrome (PMID: 26230511). This variant is present in population databases (rs766060431, gnomAD 0.0009%). This sequence change replaces aspartic acid, which is acidic and polar, with glycine, which is neutral and non-polar, at codon 2445 of the ANK2 protein (p.Asp2445Gly).

Literature cited by the submitters: PubMed 26230511.

NM_001148.6(ANK2):c.7334A>G (p.Asp2445Gly)

Genes: ANK2 (ankyrin 2; plus strand), LOC126807137 (CDK7 strongly-dependent group 2 enhancer GRCh37_chr4:114276560-114277759; plus strand). Cytogenetic location: 4q26.
Variant type: single nucleotide variant.
Coding change: c.7334A>G on transcript NM_001148.6 (MANE Select); coding-DNA position 7334, A replaced by G.
Protein change: p.Asp2445Gly; replaces aspartic acid 2445 with glycine.
Molecular consequence: missense variant. On other transcripts: intron variant (68).
Genome position (GRCh38, 1-based): chr4:113,355,952, A>G. VCF-style: chr4-113355952-A-G. GRCh37 (hg19) VCF-style: chr4-114277108-A-G.
Other names: c.7100A>G, p.Asp2367Gly (NM_001386142.1); c.3734A>G, p.Asp1245Gly (NM_001386166.1); c.7475A>G, p.Asp2492Gly (NM_001386174.1); c.7451A>G, p.Asp2484Gly (NM_001386175.1); c.4412-4871A>G (NM_001386186.2, NM_001386148.2); c.4214-4871A>G (NM_001354269.3); c.4292-4871A>G (NM_001386187.2); c.4253-4871A>G (NM_001386147.1); and 35 more; short protein forms D2445G, D1245G, D2367G, D2484G, D2492G.
Identifiers: ClinVar variation 639234 (VCV000639234.6), dbSNP rs766060431, ClinGen allele CA3051576.
Genomic context (GRCh38, chr4:113,355,952, plus strand): 5'-CTGATGACTCATTAGCAGTGAGCCACAAAGACTCTCTGGAAGCCAGCCCTGTGCTAGAAG[A>G]TAACTCTTCACACAAAACCCCTGATTCTCTGGAGCCAAGTCCTCTGAAAGAATCCCCTTG-3'
Protein context (NP_001139.3, residues 2435-2455): DSLEASPVLE[Asp2445Gly]NSSHKTPDSL